The following is an entry in ClinVar:

ClinVar aggregate classification (germline): Uncertain significance (0 of 4 stars; one submission).

Conditions:
TUB-related disorder. Also called: TUB-related condition.

Submission:

PreventionGenetics, part of Exact Sciences
Classification: Uncertain significance for TUB-related condition. Last evaluated: 2024-05-02. Review status: no assertion criteria provided. Collection method: clinical testing. Allele origin: germline.
Comment: The TUB c.22G>T variant is predicted to result in the amino acid substitution p.Asp8Tyr. This variant is referred to as c.204-8078G>T (intronic) with an alternate transcript NM_003320. To our knowledge, this variant has not been reported in the literature or in a large population database, indicating this variant is rare. At this time, the clinical significance of this variant is uncertain due to the absence of conclusive functional and genetic evidence.

NM_177972.3(TUB):c.22G>T (p.Asp8Tyr)

Gene: TUB (TUB bipartite transcription factor; plus strand). Cytogenetic location: 11p15.4.
Variant type: single nucleotide variant.
Coding change: c.22G>T on transcript NM_177972.3 (MANE Select); coding-DNA position 22, G replaced by T.
Protein change: p.Asp8Tyr; replaces aspartic acid 8 with tyrosine.
Molecular consequence: missense variant. On other transcripts: intron variant (1).
Genome position (GRCh38, 1-based): chr11:8,081,532, G>T. VCF-style: chr11-8081532-G-T. GRCh37 (hg19) VCF-style: chr11-8103079-G-T.
Other names: c.204-8078G>T (NM_003320.5); short protein forms D8Y.
Identifiers: ClinVar variation 3353294 (VCV003353294.1).